The following is an entry in ClinVar:

NM_000061.3(BTK):c.1252T>C (p.Tyr418His)

Gene: BTK (Bruton tyrosine kinase; minus strand). Cytogenetic location: Xq22.1.
Variant type: single nucleotide variant.
Coding change: c.1252T>C on transcript NM_000061.3 (MANE Select); coding-DNA position 1252, T replaced by C.
Protein change: p.Tyr418His; replaces tyrosine 418 with histidine.
Molecular consequence: missense variant. On other transcripts: intron variant (1).
Genome position (GRCh38, 1-based): chrX:101,356,881, A>G on the plus strand (T>C on the coding strand, the complement: BTK is on the minus strand). VCF-style: chrX-101356881-A-G. GRCh37 (hg19) VCF-style: chrX-100611869-A-G.
Other names: c.1354T>C, p.Tyr452His (NM_001287344.2); c.1038+1493T>C (NM_001287345.2); short protein forms Y418H, Y452H.
Identifiers: ClinVar variation 738494 (VCV000738494.36), dbSNP rs144079566, ClinGen allele CA10473032.

ClinVar aggregate classification (germline): Benign/Likely benign. Review status: criteria provided, multiple submitters, no conflicts (2 of 4 stars). 8 submissions from 8 submitters: Benign (2); Likely benign (4). 2 of the submissions do not count toward it. Last evaluated 2026-01-08.

Conditions:
Common variable immunodeficiency (CVID). Also called: Common variable hypogamma-globulinemia; Common variable agammaglobulinemia. Identifiers: Orphanet 1572, MedGen C0009447, MONDO:0015517.
BTK-related disorder. Also called: BTK-related condition.
X-linked agammaglobulinemia (XLA). Also called: Agammaglobulinemia, Bruton tyrosine kinase; Agammaglobulinemia, BTK; BTK-deficiency; Bruton-type agammaglobulinemia; Bruton's agammaglobulinemia; AGAMMAGLOBULINEMIA, X-LINKED, TYPE 1. Identifiers: Orphanet 229717, Orphanet 47, MedGen C0221026, MONDO:0010421, OMIM 300755.
X-linked agammaglobulinemia with growth hormone deficiency (IGHD3). Also called: AGAMMAGLOBULINEMIA AND ISOLATED GROWTH HORMONE DEFICIENCY, X-LINKED; FLEISHER SYNDROME; Isolated growth hormone deficiency type 3; Growth hormone deficiency with hypogammaglobulinemia; ISOLATED GROWTH HORMONE DEFICIENCY, TYPE III, WITH AGAMMAGLOBULINEMIA; HYPOGAMMAGLOBULINEMIA AND ISOLATED GROWTH HORMONE DEFICIENCY, X-LINKED. Identifiers: Orphanet 231692, Orphanet 631, MedGen C0472813, MONDO:0010615, OMIM 307200.

Allele frequency attached by ClinVar (database versions not stated): gnomAD exomes 0.00022 and 0.00032; TOPMed 0.00022; gnomAD 0.00027 and 0.00029; ESP Exome Variant Server 0.00028; ExAC 0.00033.
gnomAD v4.1: 373 of 1,209,729 alleles (0.031%); highest among the groups gnomAD compares: Non-Finnish European, 0.039%; no homozygotes.

Submissions (8):

Labcorp Genetics (formerly Invitae), Labcorp
Classification: Benign for X-linked agammaglobulinemia with growth hormone deficiency. Last evaluated: 2026-01-08. Review status: criteria provided, single submitter. Criteria: Invitae Variant Classification Sherloc (09022015). Collection method: clinical testing. Allele origin: germline.

Blueprint Genetics
Classification: Likely benign. Last evaluated: 2024-10-28. Review status: criteria provided, single submitter. Criteria: ACMG Guidelines, 2015. Collection method: clinical testing. Allele origin: germline.

Women's Health and Genetics/Laboratory Corporation of America, LabCorp
Classification: Likely benign. Last evaluated: 2024-05-30. Review status: criteria provided, single submitter. Criteria: LabCorp Variant Classification Summary - May 2015. Collection method: clinical testing. Allele origin: germline.
Comment: Variant summary: BTK c.1252T>C (p.Tyr418His) results in a conservative amino acid change located in the Protein kinase domain (IPR000719) of the encoded protein sequence. Four of five in-silico tools predict a benign effect of the variant on protein function. The variant allele was found at a frequency of 0.00022 in 183493 control chromosomes (gnomAD), including 15 hemizygotes. The occurrence in several hemizygotes suggests that the variant is likely not associated with disease. The variant, c.1252T>C, has been reported in the literature in a cohort of patients with X-Linked Agammaglobulinemia (Futatani_2001), however no further details were available. Authors of the latter study reported experimental evidence evaluating an impact on protein function, and demonstrated that the variant resulted in 15-20% decrease in downstream signaling (calcium flux and IP3 production), and based on these results authors postulated that the variant might result in a minimally hypomorphic effect (Conley_2008). These reports however do not provide unequivocal conclusions about association of the variant with X-Linked Agammaglobulinemia. The following publications have been ascertained in the context of this evaluation (PMID: 11472359, 18241230). ClinVar contains an entry for this variant (Variation ID: 738494). Based on the evidence outlined above, the variant was classified as likely benign.

Genetic Services Laboratory, University of Chicago
Classification: Benign. Last evaluated: 2021-09-13. Review status: criteria provided, single submitter. Criteria: ACMG Guidelines, 2015. Collection method: clinical testing. Allele origin: germline. Affected: no.

Mendelics
Classification: Likely benign for X-linked agammaglobulinemia. Last evaluated: 2019-05-28. Review status: criteria provided, single submitter. Criteria: Mendelics Assertion Criteria 2017. Collection method: clinical testing. Allele origin: unknown.

Breakthrough Genomics
Classification: Likely benign. Review status: criteria provided, single submitter. Criteria: ACMG Guidelines, 2015. Collection method: not provided. Allele origin: germline. Inheritance: X-linked inheritance. Affected: yes.

PreventionGenetics, part of Exact Sciences
Classification: Likely benign for BTK-related condition. Last evaluated: 2023-03-20. Review status: no assertion criteria provided. Collection method: clinical testing. Allele origin: germline. Not counted in ClinVar's aggregate classification.
Comment: This variant is classified as likely benign based on ACMG/AMP sequence variant interpretation guidelines (Richards et al. 2015 PMID: 25741868, with internal and published modifications).

Pediatric Infectious Diseases and Immunodeficiencies Unit (UPIIP)- HUVH-VHIR, Vall d'Hebron University Hospital
Classification: Likely risk allele. Review status: no assertion criteria provided. Collection method: clinical testing. Allele origin: inherited. Inheritance: X-linked recessive inheritance. Affected: yes. Observed: 1 heterozygote. Not counted in ClinVar's aggregate classification.
Comment: This variant has been reported to be a minimally hypomorphic mutation in BTK resulting in reduced B cell numbers but no clinical disease (PMID: 18241230). In a patient with XLA carrying the p.Tyr418His variant, BTK expression has been studied showing a reduced expression compared to healthy controls (PMID: 11472359). The allele frequency of the variant is 0.0002685 (gnomad v3.2.1), greater than expected to be causing X-linked Agammaglobulinemia (OMIM: 300755). That's the reason why this variant may be considered Likely Benign for XLA. However, based on the reported functional evidence of this variant it can be considered as a risk allele for CVID and eventually for XLA.

Literature cited by the submitters: PubMed 11472359 (cited by Women's Health and Genetics/Laboratory Corporation of America, LabCorp and Pediatric Infectious Diseases and Immunodeficiencies Unit (UPIIP)- HUVH-VHIR, Vall d'Hebron University Hospital); PubMed 18241230 (cited by Women's Health and Genetics/Laboratory Corporation of America, LabCorp and Pediatric Infectious Diseases and Immunodeficiencies Unit (UPIIP)- HUVH-VHIR, Vall d'Hebron University Hospital).